The following is an entry in ClinVar:

NM_001080467.3(MYO5B):c.4460A>T (p.Asp1487Val)

Genes: MYO5B (myosin VB; minus strand), SNHG22 (small nucleolar RNA host gene 22; plus strand). Cytogenetic location: 18q21.1.
Variant type: single nucleotide variant.
Coding change: c.4460A>T on transcript NM_001080467.3 (MANE Select); coding-DNA position 4460, A replaced by T.
Protein change: p.Asp1487Val; replaces aspartic acid 1487 with valine.
Molecular consequence: missense variant.
Genome position (GRCh38, 1-based): chr18:49,843,392, T>A on the plus strand (A>T on the coding strand, the complement: MYO5B is on the minus strand). VCF-style: chr18-49843392-T-A. GRCh37 (hg19) VCF-style: chr18-47369762-T-A.
Other names: c.4460A>T (NM_001080467.2); short protein forms D1487V.
Identifiers: ClinVar variation 1561672 (VCV001561672.12), dbSNP rs199811777, ClinGen allele CA8960344.

ClinVar aggregate classification (germline): Likely benign. Review status: criteria provided, multiple submitters, no conflicts (2 of 4 stars). 3 submissions from 3 submitters: Likely benign (2). 1 of the submissions does not count toward it. Last evaluated 2026-08-01.

Conditions:
MYO5B-related disorder. Also called: MYO5B-related condition.

Allele frequency attached by ClinVar (database versions not stated): gnomAD exomes 0.00009 and 0.00027; ExAC 0.00031; 1000 Genomes Project 30x 0.00047; 1000 Genomes Project 0.00060; gnomAD 0.00110 and 0.00120; ESP Exome Variant Server 0.00112; TOPMed 0.00118.
gnomAD v4.1: 295 of 1,614,006 alleles (0.018%); highest among the groups gnomAD compares: African/African-American, 0.37%; no homozygotes.

Submissions (6):

CeGaT Center for Human Genetics Tuebingen
Classification: Likely benign. Last evaluated: 2026-08-01. Review status: criteria provided, single submitter. Criteria: CeGaT Center For Human Genetics Tuebingen Variant Classification Criteria Version 2. Collection method: clinical testing. Allele origin: germline. Affected: yes. Observed: 1 variant allele.
Comment: MYO5B: BP4

Labcorp Genetics (formerly Invitae), Labcorp
Classification: Likely benign. Last evaluated: 2026-01-19. Review status: criteria provided, single submitter. Criteria: Invitae Variant Classification Sherloc (09022015). Collection method: clinical testing. Allele origin: germline.

PreventionGenetics, part of Exact Sciences
Classification: Likely benign for MYO5B-related condition. Last evaluated: 2022-04-02. Review status: no assertion criteria provided. Collection method: clinical testing. Allele origin: germline. Not counted in ClinVar's aggregate classification.
Comment: This variant is classified as likely benign based on ACMG/AMP sequence variant interpretation guidelines (Richards et al. 2015 PMID: 25741868, with internal and published modifications).

Dr. Peter K. Rogan Lab, Western University
No classification provided (evidence only). Condition: Familial cancer of breast. Review status: no classification provided. Collection method: in vitro. Allele origin: not applicable. Functional consequence: retained intron. Not counted in ClinVar's aggregate classification.

Dr. Peter K. Rogan Lab, Western University
No classification provided (evidence only). Condition: Familial cancer of breast. Review status: no classification provided. Collection method: in vitro. Allele origin: not applicable. Functional consequence: retained intron. Not counted in ClinVar's aggregate classification.

Dr. Peter K. Rogan Lab, Western University
No classification provided (evidence only). Condition: Acute myeloid leukemia. Review status: no classification provided. Collection method: in vitro. Allele origin: not applicable. Functional consequence: retained intron. Not counted in ClinVar's aggregate classification.